The following is an entry in ClinVar:

ClinVar aggregate classification (germline): Pathogenic (1 of 4 stars; one submission).

Conditions:
Multiple acyl-CoA dehydrogenase deficiency (MADD). Also called: ETHYLMALONIC-ADIPICACIDURIA; GA II; Glutaric aciduria, type 2; Glutaric acidemia type II; GA 2; Glutaric Acidemia type 2. Identifiers: Orphanet 26791, MedGen C0268596, MONDO:0009282, OMIM 231680.

Submission:

Labcorp Genetics (formerly Invitae), Labcorp
Classification: Pathogenic for Multiple acyl-CoA dehydrogenase deficiency. Last evaluated: 2023-01-24. Review status: criteria provided, single submitter. Criteria: Invitae Variant Classification Sherloc (09022015). Collection method: clinical testing. Allele origin: unknown.
Comment: For these reasons, this variant has been classified as Pathogenic. This variant has not been reported in the literature in individuals affected with ETFDH-related conditions. This variant is a gross deletion of the genomic region encompassing exon(s) 1-6 of the ETFDH gene, which includes the initiator codon. This deletion extends beyond the assayed region for this gene and therefore may encompass additional genes. It is expected to result in an absent or disrupted protein product. Loss-of-function variants in ETFDH are known to be pathogenic (PMID: 16510302, 23785301).

Literature cited by the submitters: PubMed 16510302; PubMed 23785301.

NC_000004.11:g.(?_159593609)_(159611597_?)del

Gene: ETFDH (electron transfer flavoprotein dehydrogenase; plus strand). Cytogenetic location: 4q32.1.
Variant type: Deletion.
Identifiers: ClinVar variation 3246603 (VCV003246603.1).